The following is an entry in ClinVar:

NM_015466.4(PTPN23):c.3331C>T (p.Arg1111Cys)

Gene: PTPN23 (protein tyrosine phosphatase non-receptor type 23; plus strand). Cytogenetic location: 3p21.31.
Variant type: single nucleotide variant.
Coding change: c.3331C>T on transcript NM_015466.4 (MANE Select); coding-DNA position 3331, C replaced by T.
Protein change: p.Arg1111Cys; replaces arginine 1111 with cysteine.
Molecular consequence: missense variant.
Genome position (GRCh38, 1-based): chr3:47,411,129, C>T. VCF-style: chr3-47411129-C-T. GRCh37 (hg19) VCF-style: chr3-47452619-C-T.
Other names: c.2953C>T, p.Arg985Cys (NM_001304482.2); short protein forms R1111C, R985C.
Identifiers: ClinVar variation 2188662 (VCV002188662.2), dbSNP rs770528531, ClinGen allele CA2366253.

ClinVar aggregate classification (germline): Uncertain significance (1 of 4 stars; one submission).

Allele frequency attached by ClinVar (database versions not stated): gnomAD exomes 0.00003; TOPMed 0.00003; ExAC 0.00004.
gnomAD v4.1: 49 of 1,600,156 alleles (0.0031%); highest among the groups gnomAD compares: Non-Finnish European, 0.0037%; no homozygotes.

Submission:

Labcorp Genetics (formerly Invitae), Labcorp
Classification: Uncertain significance. Last evaluated: 2025-12-08. Review status: criteria provided, single submitter. Criteria: Invitae Variant Classification Sherloc (09022015). Collection method: clinical testing. Allele origin: germline.
Comment: This sequence change replaces arginine, which is basic and polar, with cysteine, which is neutral and slightly polar, at codon 1111 of the PTPN23 protein (p.Arg1111Cys). The frequency data for this variant in the population databases is considered unreliable, as metrics indicate poor data quality at this position in the gnomAD database. This missense change has been observed in individual(s) with PTPN23-related conditions (PMID: 33057194, 35982159). ClinVar contains an entry for this variant (Variation ID: 2188662). An algorithm developed to predict the effect of missense changes on protein structure and function (PolyPhen-2) suggests that this variant is likely to be disruptive. In summary, the available evidence is currently insufficient to determine the role of this variant in disease. Therefore, it has been classified as a Variant of Uncertain Significance.

Literature cited by the submitters: PubMed 33057194; PubMed 35982159.